The following is an entry in ClinVar:

NM_001282531.3(ADNP):c.*1576G>A

Gene: ADNP (activity dependent neuroprotector homeobox; minus strand). Cytogenetic location: 20q13.13.
Variant type: single nucleotide variant.
Coding change: c.*1576G>A on transcript NM_001282531.3 (MANE Select); 1576 bases downstream of the stop codon, G replaced by A.
Molecular consequence: 3 prime UTR variant.
Genome position (GRCh38, 1-based): chr20:50,889,829, C>T on the plus strand (G>A on the coding strand, the complement: ADNP is on the minus strand). VCF-style: chr20-50889829-C-T. GRCh37 (hg19) VCF-style: chr20-49506366-C-T.
Other names: c.*1576G>A (NM_001282532.2, NM_001347511.2, NM_015339.5 and 1 more transcripts).
Identifiers: ClinVar variation 2652398 (VCV002652398.24), dbSNP rs565387781, ClinGen allele CA315254702.

ClinVar aggregate classification (germline): Likely benign (1 of 4 stars; one submission).

Allele frequency attached by ClinVar (database versions not stated): 1000 Genomes Project 0.00020; 1000 Genomes Project 30x 0.00031; gnomAD 0.00066; TOPMed 0.00069; gnomAD exomes 0.00084.
gnomAD v4.1: 309 of 398,516 alleles (0.078%); highest among the groups gnomAD compares: Non-Finnish European, 0.12%; no homozygotes.

Submission:

CeGaT Center for Human Genetics Tuebingen
Classification: Likely benign. Last evaluated: 2026-07-01. Review status: criteria provided, single submitter. Criteria: CeGaT Center For Human Genetics Tuebingen Variant Classification Criteria Version 2. Collection method: clinical testing. Allele origin: germline. Affected: yes. Observed: 5 variant alleles.
Comment: ADNP: BS1